The following is an entry in ClinVar:

NM_172240.3(POC1B):c.517A>G (p.Thr173Ala)

Genes: POC1B (POC1 centriolar protein B; minus strand), POC1B-DUSP6 (POC1B-DUSP6 readthrough; minus strand). Cytogenetic location: 12q21.33.
Variant type: single nucleotide variant.
Coding change: c.517A>G on transcript NM_172240.3 (MANE Select); coding-DNA position 517, A replaced by G.
Protein change: p.Thr173Ala; replaces threonine 173 with alanine.
Molecular consequence: missense variant. On other transcripts: non-coding transcript variant (2).
Genome position (GRCh38, 1-based): chr12:89,472,211, T>C on the plus strand (A>G on the coding strand, the complement: POC1B is on the minus strand). VCF-style: chr12-89472211-T-C. GRCh37 (hg19) VCF-style: chr12-89865988-T-C.
Other names: c.391A>G, p.Thr131Ala (NM_001199777.2); short protein forms T131A, T173A.
Identifiers: ClinVar variation 1520867 (VCV001520867.8), dbSNP rs1207360314, ClinGen allele CA385998224.
Genomic context (GRCh38, chr12:89,472,211, plus strand): 5'-AAAGAAAGTGTACTTACCCAACGGAATCTGAGAAGTTATTAACACATTGCTTATTTGTGG[T>C]ATCCCAAATTTTAATAGTTTTATCCTCACTACATGACACAATTAGTCTTCCATCGGGTGA-3'
Protein context (NP_758440.1, residues 163-183): SEDKTIKIWD[Thr173Ala]TNKQCVNNFS

ClinVar aggregate classification (germline): Uncertain significance (1 of 4 stars; one submission).

Allele frequency attached by ClinVar (database versions not stated): gnomAD exomes below 0.00001 and 0.00001; TOPMed below 0.00001; gnomAD 0.00001.
gnomAD v4.1: 3 of 1,607,652 alleles (0.00019%); highest among the groups gnomAD compares: Non-Finnish European, 0.00026%; no homozygotes.

Submission:

Labcorp Genetics (formerly Invitae), Labcorp
Classification: Uncertain significance. Last evaluated: 2021-03-28. Review status: criteria provided, single submitter. Criteria: Invitae Variant Classification Sherloc (09022015). Collection method: clinical testing. Allele origin: germline.
Comment: This sequence change replaces threonine with alanine at codon 173 of the POC1B protein (p.Thr173Ala). The threonine residue is moderately conserved and there is a small physicochemical difference between threonine and alanine. In summary, the available evidence is currently insufficient to determine the role of this variant in disease. Therefore, it has been classified as a Variant of Uncertain Significance. Advanced modeling of protein sequence and biophysical properties (such as structural, functional, and spatial information, amino acid conservation, physicochemical variation, residue mobility, and thermodynamic stability) performed at Invitae indicates that this missense variant is not expected to disrupt POC1B protein function. This variant has not been reported in the literature in individuals with POC1B-related conditions. This variant is not present in population databases (ExAC no frequency).